The following is an entry in ClinVar:

NM_001080453.3(INTS1):c.903C>G (p.Ile301Met)

Gene: INTS1 (integrator complex subunit 1; minus strand). Cytogenetic location: 7p22.3.
Variant type: single nucleotide variant.
Coding change: c.903C>G on transcript NM_001080453.3 (MANE Select); coding-DNA position 903, C replaced by G.
Protein change: p.Ile301Met; replaces isoleucine 301 with methionine.
Molecular consequence: missense variant.
Genome position (GRCh38, 1-based): chr7:1,499,302, G>C on the plus strand (C>G on the coding strand, the complement: INTS1 is on the minus strand). VCF-style: chr7-1499302-G-C. GRCh37 (hg19) VCF-style: chr7-1538938-G-C.
Other names: short protein forms I301M.
Identifiers: ClinVar variation 4275845 (VCV004275845.3).

ClinVar aggregate classification (germline): Uncertain significance. Review status: criteria provided, multiple submitters, no conflicts (2 of 4 stars). 2 submissions from 2 submitters: Uncertain significance (2). Last evaluated 2026-04-09.

Conditions:
Neurodevelopmental disorder with cataracts, poor growth, and dysmorphic facies. Identifiers: MedGen C5231414, MONDO:0032817, OMIM 618571.
Inborn genetic diseases. Identifiers: MedGen C0950123, MeSH D030342.

gnomAD v4.1: 9 of 1,607,872 alleles (0.00056%); highest among the groups gnomAD compares: Non-Finnish European, 0.00076%; no homozygotes.

Submissions (2):

Dasa
Classification: Uncertain significance for Neurodevelopmental disorder with cataracts, poor growth, and dysmorphic facies. Last evaluated: 2026-04-09. Review status: criteria provided, single submitter. Criteria: DASA Assertion Criteria. Collection method: clinical testing. Allele origin: germline.
Comment: NM_001080453.3(INTS1):c.903C>G (p.Ile301Met) is a missense variant that results in the substitution of isoleucine with methionine. This variant is rare in population databases. The currently available literature and clinical evidence are not sufficient to establish a definitive association between this variant and the reported condition. Therefore, this variant is classified as a variant of uncertain significance.

Ambry Genetics
Classification: Uncertain significance for Inborn genetic diseases. Last evaluated: 2025-08-22. Review status: criteria provided, single submitter. Criteria: Ambry Variant Classification Scheme 2023. Collection method: clinical testing. Allele origin: germline.